The following is an entry in ClinVar:

ClinVar aggregate classification (germline): Benign/Likely benign. Review status: criteria provided, multiple submitters, no conflicts (2 of 4 stars). 3 submissions from 3 submitters: Benign (1); Likely benign (2). Last evaluated 2024-04-16.

Conditions:
Hereditary cancer-predisposing syndrome. Also called: Hereditary neoplastic syndrome; Hereditary Cancer Syndrome; Neoplastic Syndromes, Hereditary; Tumor predisposition. Identifiers: Orphanet 140162, MedGen C0027672, MeSH D009386, MONDO:0015356.
Classic or attenuated familial adenomatous polyposis. Identifiers: MedGen CN372698, MONDO:0021057.
Familial adenomatous polyposis 1 (FAP1). Also called: POLYPOSIS, ADENOMATOUS INTESTINAL; FAMILIAL ADENOMATOUS POLYPOSIS 1, ATTENUATED. Identifiers: MedGen C2713442, MONDO:0021056, OMIM 175100. Disease mechanism: loss of function.

Allele frequency attached by ClinVar (database versions not stated): TOPMed below 0.00001; gnomAD 0.00001.
gnomAD v4.1: 1 of 1,613,612 alleles (0.000062%); highest among the groups gnomAD compares: Admixed American, 0.0017%; no homozygotes.

Submissions (3):

All of Us Research Program, National Institutes of Health
Classification: Likely benign for Classic or attenuated familial adenomatous polyposis. Last evaluated: 2024-04-16. Review status: criteria provided, single submitter. Criteria: ACMG Guidelines, 2015. Collection method: clinical testing. Allele origin: germline. Inheritance: Autosomal dominant inheritance. Observed: 1 variant allele, 1 heterozygote.
Comment: This study involves interpretation of variants in research participants for the purpose of population health screening. Participant phenotype was not available at the time of variant classification. Additional details can be found in publication PMID: 35346344, PMCID: PMC8962531

Myriad Genetics, Inc.
Classification: Benign for Familial adenomatous polyposis 1. Last evaluated: 2024-04-08. Review status: criteria provided, single submitter. Criteria: Myriad Autosomal Dominant, Autosomal Recessive and X-Linked Classification Criteria (2023). Collection method: clinical testing. Allele origin: unknown.
Comment: This variant is considered benign. This variant is a silent/synonymous amino acid change and it is not expected to impact splicing.

Ambry Genetics
Classification: Likely benign for Hereditary cancer-predisposing syndrome. Last evaluated: 2023-05-12. Review status: criteria provided, single submitter. Criteria: Ambry Variant Classification Scheme 2023. Collection method: clinical testing. Allele origin: germline.

NM_000038.6(APC):c.6984A>T (p.Ser2328=)

Gene: APC (APC regulator of Wnt signaling pathway; plus strand). Cytogenetic location: 5q22.2.
Variant type: single nucleotide variant.
Coding change: c.6984A>T on transcript NM_000038.6 (MANE Select); coding-DNA position 6984, A replaced by T.
Protein change: p.Ser2328=; no amino-acid change (serine 2328 retained).
Molecular consequence: synonymous variant. On other transcripts: non-coding transcript variant (2).
Genome position (GRCh38, 1-based): chr5:112,842,578, A>T. VCF-style: chr5-112842578-A-T. GRCh37 (hg19) VCF-style: chr5-112178275-A-T.
Other names: c.6984A>T, p.Ser2328= (NM_001127510.3, NM_001354895.2, NM_001407450.1); c.6930A>T, p.Ser2310= (NM_001127511.3); c.7038A>T, p.Ser2346= (NM_001354896.2, NM_001407447.1, NM_001407448.1 and 1 more transcripts); c.7014A>T, p.Ser2338= (NM_001354897.2); c.6909A>T, p.Ser2303= (NM_001354898.2); c.6900A>T, p.Ser2300= (NM_001354899.2); c.6861A>T, p.Ser2287= (NM_001354900.2); c.6807A>T, p.Ser2269= (NM_001354901.2, NM_001407453.1); and 11 more.
Identifiers: ClinVar variation 2567035 (VCV002567035.4), dbSNP rs1766348073, ClinGen allele CA446210641.